The following is an entry in ClinVar:

ClinVar aggregate classification (germline): Uncertain significance. Review status: criteria provided, multiple submitters, no conflicts (2 of 4 stars). 2 submissions from 2 submitters: Uncertain significance (2). Last evaluated 2026-03-30.

Submissions (2):

GeneDx
Classification: Uncertain significance. Last evaluated: 2026-03-30. Review status: criteria provided, single submitter. Criteria: GeneDx Variant Classification Process June 2021. Collection method: clinical testing. Allele origin: germline.
Comment: Not observed at significant frequency in large population cohorts (gnomAD); In silico analysis supports that this missense variant has a deleterious effect on protein structure/function; Has not been previously published as pathogenic or benign to our knowledge

Centre of Medical Genetics, University Hospital Muenster
Classification: Uncertain significance. Last evaluated: 2021-12-08. Review status: criteria provided, single submitter. Criteria: ACMG Guidelines, 2015. Collection method: clinical testing. Allele origin: unknown. Affected: yes. Observed: 1 variant allele, 1 heterozygote.
Comment: ACMG categories: PM2,PP2,PP3,BS2

NM_001161352.2(KCNMA1):c.3295C>T (p.Arg1099Cys)

Genes: KCNMA1 (potassium calcium-activated channel subfamily M alpha 1; minus strand), KCNMA1-AS1 (KCNMA1 antisense RNA 1; plus strand). Cytogenetic location: 10q22.3.
Variant type: single nucleotide variant.
Coding change: c.3295C>T on transcript NM_001161352.2 (MANE Select); coding-DNA position 3295, C replaced by T.
Protein change: p.Arg1099Cys; replaces arginine 1099 with cysteine.
Molecular consequence: missense variant.
Genome position (GRCh38, 1-based): chr10:76,891,572, G>A on the plus strand (C>T on the coding strand, the complement: KCNMA1 is on the minus strand). VCF-style: chr10-76891572-G-A. GRCh37 (hg19) VCF-style: chr10-78651330-G-A.
Other names: c.3133C>T, p.Arg1045Cys (NM_001014797.3); c.3244C>T, p.Arg1082Cys (NM_001161353.2); c.2971C>T, p.Arg991Cys (NM_001271518.2); c.3211C>T, p.Arg1071Cys (NM_001271519.2); c.3130C>T, p.Arg1044Cys (NM_001322829.2, NM_001322836.2); c.3223C>T, p.Arg1075Cys (NM_001322830.2); c.3121C>T, p.Arg1041Cys (NM_001322832.2, NM_001410940.1, NM_002247.4); c.3214C>T, p.Arg1072Cys (NM_001322835.2, NM_001322837.2); and 2 more; short protein forms R1041C, R1044C, R1045C, R1071C, R1072C, R1075C, R1082C, R1099C.
Identifiers: ClinVar variation 1708427 (VCV001708427.3), dbSNP rs2548188343, ClinGen allele CA377403376.